The following is an entry in ClinVar:

ClinVar aggregate classification (germline): Likely benign (1 of 4 stars; one submission).

Submission:

GeneDx
Classification: Likely benign. Last evaluated: 2018-05-01. Review status: criteria provided, single submitter. Criteria: GeneDx Variant Classification (06012015). Collection method: clinical testing. Allele origin: germline. Affected: yes.
Comment: This variant is considered likely benign or benign based on one or more of the following criteria: it is a conservative change, it occurs at a poorly conserved position in the protein, it is predicted to be benign by multiple in silico algorithms, and/or has population frequency not consistent with disease.

NM_032578.4(MYPN):c.3441C>A (p.Ile1147=)

Gene: MYPN (myopalladin; plus strand). Cytogenetic location: 10q21.3.
Variant type: single nucleotide variant.
Coding change: c.3441C>A on transcript NM_032578.4 (MANE Select); coding-DNA position 3441, C replaced by A.
Protein change: p.Ile1147=; no amino-acid change (isoleucine 1147 retained).
Molecular consequence: synonymous variant. On other transcripts: non-coding transcript variant (2).
Genome position (GRCh38, 1-based): chr10:68,199,523, C>A. VCF-style: chr10-68199523-C-A. GRCh37 (hg19) VCF-style: chr10-69959280-C-A.
Other names: c.3441C>A, p.Ile1147= (NM_001256267.2); c.2559C>A, p.Ile853= (NM_001256268.2).
Identifiers: ClinVar variation 682495 (VCV000682495.1), dbSNP rs759420426, ClinGen allele CA469812483.